The following is an entry in ClinVar:

ClinVar aggregate classification (germline): Benign (1 of 4 stars; one submission).

Conditions:
Familial cancer of breast. Also called: hereditary breast carcinoma; Hereditary breast cancer; BREAST CANCER, FAMILIAL. Identifiers: Orphanet 227535, MedGen C0346153, MONDO:0016419, OMIM 114480. Disease mechanism: loss of function.

gnomAD v4.1: 1 of 1,608,926 alleles (0.000062%); highest among the groups gnomAD compares: South Asian, 0.0011%; no homozygotes.

Submission:

Myriad Genetics, Inc.
Classification: Benign for Familial cancer of breast. Last evaluated: 2024-09-05. Review status: criteria provided, single submitter. Criteria: Myriad Autosomal Dominant, Autosomal Recessive and X-Linked Classification Criteria (2023). Collection method: clinical testing. Allele origin: unknown.
Comment: This variant is considered benign. This variant is a silent/synonymous amino acid change and it is not expected to impact splicing.

NM_032043.3(BRIP1):c.2454A>G (p.Glu818=)

Gene: BRIP1 (BRCA1 interacting DNA helicase 1; minus strand). Cytogenetic location: 17q23.2.
Variant type: single nucleotide variant.
Coding change: c.2454A>G on transcript NM_032043.3 (MANE Select); coding-DNA position 2454, A replaced by G.
Protein change: p.Glu818=; no amino-acid change (glutamic acid 818 retained).
Molecular consequence: synonymous variant.
Genome position (GRCh38, 1-based): chr17:61,715,989, T>C on the plus strand (A>G on the coding strand, the complement: BRIP1 is on the minus strand). VCF-style: chr17-61715989-T-C. GRCh37 (hg19) VCF-style: chr17-59793350-T-C.
Identifiers: ClinVar variation 3378755 (VCV003378755.1).